The following is an entry in ClinVar:

ClinVar aggregate classification (germline): Conflicting classifications of pathogenicity. Review status: criteria provided, conflicting classifications (1 of 4 stars). 4 submissions from 4 submitters: Uncertain significance (1); Benign (1); Likely benign (2). Last evaluated 2026-01-29.

Conditions:
Pontoneocerebellar hypoplasia. Also called: Pontocerebellar hypoplasia; Non-syndromic pontocerebellar hypoplasia. Identifiers: Orphanet 98523, MedGen C1261175, MONDO:0020135.

Allele frequency attached by ClinVar (database versions not stated): 1000 Genomes Project 30x 0.00016; gnomAD exomes 0.00080 and 0.00151; TOPMed 0.00087; ExAC 0.00145; ESP Exome Variant Server 0.00155; 1000 Genomes Project 0.00020; gnomAD 0.00076 and 0.00080.
gnomAD v4.1: 2,318 of 1,590,030 alleles (0.15%); highest among the groups gnomAD compares: Non-Finnish European, 0.18%; 1 homozygote.

Submissions (4):

Labcorp Genetics (formerly Invitae), Labcorp
Classification: Benign. Last evaluated: 2026-01-29. Review status: criteria provided, single submitter. Criteria: Invitae Variant Classification Sherloc (09022015). Collection method: clinical testing. Allele origin: germline.

Blueprint Genetics
Classification: Likely benign. Last evaluated: 2024-11-19. Review status: criteria provided, single submitter. Criteria: ACMG Guidelines, 2015. Collection method: clinical testing. Allele origin: germline.

Illumina Laboratory Services, Illumina
Classification: Uncertain significance for Pontoneocerebellar hypoplasia. Last evaluated: 2018-01-13. Review status: criteria provided, single submitter. Criteria: ICSL Variant Classification Criteria 13 December 2019. Collection method: clinical testing. Allele origin: germline.

GeneDx
Classification: Likely benign. Last evaluated: 2017-06-13. Review status: criteria provided, single submitter. Criteria: GeneDx Variant Classification (06012015). Collection method: clinical testing. Allele origin: germline. Affected: yes.
Comment: This variant is considered likely benign or benign based on one or more of the following criteria: it is a conservative change, it occurs at a poorly conserved position in the protein, it is predicted to be benign by multiple in silico algorithms, and/or has population frequency not consistent with disease.

NM_207346.3(TSEN54):c.285+12G>A

Gene: TSEN54 (tRNA splicing endonuclease subunit 54; plus strand). Cytogenetic location: 17q25.1.
Variant type: single nucleotide variant.
Coding change: c.285+12G>A on transcript NM_207346.3 (MANE Select); 12 bases into the intron after coding-DNA position 285, G replaced by A.
Molecular consequence: intron variant.
Genome position (GRCh38, 1-based): chr17:75,517,084, G>A. VCF-style: chr17-75517084-G-A. GRCh37 (hg19) VCF-style: chr17-73513165-G-A.
Identifiers: ClinVar variation 325082 (VCV000325082.13), dbSNP rs373044979, ClinGen allele CA8764024.